The following is an entry in ClinVar:

NC_000006.12:g.144176889_144196079del

Gene: STX11 (syntaxin 11; plus strand). Cytogenetic location: 6q24.2.
Variant type: Deletion.
Other names: AL135917.15:g.25560_44750del.
Identifiers: ClinVar variation 1320304 (VCV001320304.2).

ClinVar aggregate classification (germline): not provided (0 of 4 stars; one submission).

Conditions:
Familial hemophagocytic lymphohistiocytosis 5. Also called: STXBP2-Related Familial Hemophagocytic Lymphohistiocytosis (STXBP2-fHLH). Identifiers: Orphanet 540, MedGen C2751293, MONDO:0013135, OMIM 613101.

Submission:

GeneReviews
No classification provided. Condition: Familial hemophagocytic lymphohistiocytosis 5. Review status: no classification provided. Collection method: literature only. Allele origin: germline.
Comment: STX11 gene deletion [zur Stadt et al 2005]

Literature cited by the submitters: PubMed 15703195.